The following is an entry in ClinVar:

NM_001040108.2(MLH3):c.384A>C (p.Lys128Asn)

Gene: MLH3 (mutL homolog 3; minus strand). Cytogenetic location: 14q24.3.
Variant type: single nucleotide variant.
Coding change: c.384A>C on transcript NM_001040108.2 (MANE Select); coding-DNA position 384, A replaced by C.
Protein change: p.Lys128Asn; replaces lysine 128 with asparagine.
Molecular consequence: missense variant.
Genome position (GRCh38, 1-based): chr14:75,049,272, T>G on the plus strand (A>C on the coding strand, the complement: MLH3 is on the minus strand). VCF-style: chr14-75049272-T-G. GRCh37 (hg19) VCF-style: chr14-75515975-T-G.
Other names: c.384A>C, p.Lys128Asn (NM_014381.3); short protein forms K128N.
Identifiers: ClinVar variation 4740394 (VCV004740394.1).

ClinVar aggregate classification (germline): Uncertain significance (1 of 4 stars; one submission).

Conditions:
Colorectal cancer, hereditary nonpolyposis, type 7. Identifiers: Orphanet 144, MedGen C1858380, MONDO:0013725, OMIM 614385.

Submission:

Labcorp Genetics (formerly Invitae), Labcorp
Classification: Uncertain significance for Colorectal cancer, hereditary nonpolyposis, type 7. Last evaluated: 2025-12-30. Review status: criteria provided, single submitter. Criteria: Invitae Variant Classification Sherloc (09022015). Collection method: clinical testing. Allele origin: germline.
Comment: This sequence change replaces lysine, which is basic and polar, with asparagine, which is neutral and polar, at codon 128 of the MLH3 protein (p.Lys128Asn). This variant is not present in population databases (gnomAD no frequency). This variant has not been reported in the literature in individuals affected with MLH3-related conditions. An algorithm developed to predict the effect of missense changes on protein structure and function (PolyPhen-2) suggests that this variant is likely to be tolerated. In summary, the available evidence is currently insufficient to determine the role of this variant in disease. Therefore, it has been classified as a Variant of Uncertain Significance.